The following is an entry in ClinVar:

NM_032043.3(BRIP1):c.2098T>A (p.Leu700Ile)

Gene: BRIP1 (BRCA1 interacting DNA helicase 1; minus strand). Cytogenetic location: 17q23.2.
Variant type: single nucleotide variant.
Coding change: c.2098T>A on transcript NM_032043.3 (MANE Select); coding-DNA position 2098, T replaced by A.
Protein change: p.Leu700Ile; replaces leucine 700 with isoleucine.
Molecular consequence: missense variant.
Genome position (GRCh38, 1-based): chr17:61,744,591, A>T on the plus strand (T>A on the coding strand, the complement: BRIP1 is on the minus strand). VCF-style: chr17-61744591-A-T. GRCh37 (hg19) VCF-style: chr17-59821952-A-T.
Other names: short protein forms L700I.
Identifiers: ClinVar variation 1691982 (VCV001691982.4), dbSNP rs2077034962, ClinGen allele CA400483446.
Genomic context (GRCh38, chr17:61,744,591, plus strand): 5'-CCAACTCCAGATTATGCCATAAACCAGTAGAGAGCCAACGTTCTTTTAATTTTTCTAATA[A>T]CTAAAGAGGGGAAAGAAAAAAATGATTTTTTGTGTGTCTAGCTAAACAAACTTAACTTCA-3'
Protein context (NP_114432.2, residues 690-710): GILCFLPSYK[Leu700Ile]LEKLKERWLS

ClinVar aggregate classification (germline): Uncertain significance. Review status: criteria provided, multiple submitters, no conflicts (2 of 4 stars). 3 submissions from 3 submitters: Uncertain significance (3). Last evaluated 2025-02-27.

Conditions:
Hereditary cancer-predisposing syndrome. Also called: Neoplastic Syndromes, Hereditary; Hereditary neoplastic syndrome; Tumor predisposition; Hereditary Cancer Syndrome. Identifiers: Orphanet 140162, MedGen C0027672, MeSH D009386, MONDO:0015356.
Familial cancer of breast. Also called: hereditary breast carcinoma; BREAST CANCER, FAMILIAL; Hereditary breast cancer. Identifiers: Orphanet 227535, MedGen C0346153, MONDO:0016419, OMIM 114480. Disease mechanism: loss of function.
Fanconi anemia complementation group J. Also called: BRIP1-Related Fanconi Anemia. Identifiers: Orphanet 84, MedGen C1836860, MONDO:0012187, OMIM 609054.

Submissions (3):

Labcorp Genetics (formerly Invitae), Labcorp
Classification: Uncertain significance for Familial cancer of breast; Fanconi anemia complementation group J. Last evaluated: 2025-02-27. Review status: criteria provided, single submitter. Criteria: Invitae Variant Classification Sherloc (09022015). Collection method: clinical testing. Allele origin: germline.
Comment: This sequence change replaces leucine, which is neutral and non-polar, with isoleucine, which is neutral and non-polar, at codon 700 of the BRIP1 protein (p.Leu700Ile). This variant is not present in population databases (gnomAD no frequency). This variant has not been reported in the literature in individuals affected with BRIP1-related conditions. ClinVar contains an entry for this variant (Variation ID: 1691982). Invitae Evidence Modeling of protein sequence and biophysical properties (such as structural, functional, and spatial information, amino acid conservation, physicochemical variation, residue mobility, and thermodynamic stability) indicates that this missense variant is not expected to disrupt BRIP1 protein function with a negative predictive value of 95%. In summary, the available evidence is currently insufficient to determine the role of this variant in disease. Therefore, it has been classified as a Variant of Uncertain Significance.

Sema4
Classification: Uncertain significance for Hereditary cancer-predisposing syndrome. Last evaluated: 2022-03-01. Review status: criteria provided, single submitter. Criteria: Sema4 Curation Guidelines. Collection method: curation. Allele origin: germline.
Comment: The BRIP1 c.2098T>A(p.L700I) variant has not been reported in the literature to our knowledge. This variant is not reported in the population database Genome Aggregation Database (PMID: 32461654). The variant has not been reported in ClinVar. Functional studies have not been performed, and in silico predictions of the variant's effect on protein function are inconclusive. The evidence is insufficient to meet ACMG/AMP criteria for classifying the variant as benign or pathogenic. Thus, the clinical significance of this variant is currently uncertain.

Ambry Genetics
Classification: Uncertain significance for Hereditary cancer-predisposing syndrome. Last evaluated: 2021-04-16. Review status: criteria provided, single submitter. Criteria: Ambry Variant Classification Scheme 2023. Collection method: clinical testing. Allele origin: germline.
Comment: The p.L700I variant (also known as c.2098T>A) is located in coding exon 14 of the BRIP1 gene. The leucine at codon 700 is replaced by isoleucine, an amino acid with highly similar properties. This change occurs in the first base pair of coding exon 14. This amino acid position is not well conserved in available vertebrate species. In addition, the in silico prediction for this alteration is inconclusive. Since supporting evidence is limited at this time, the clinical significance of this alteration remains unclear.